The following is an entry in ClinVar:

NM_001267550.2(TTN):c.67636G>A (p.Val22546Met)

Genes: TTN (titin; minus strand), TTN-AS1 (TTN antisense RNA 1; plus strand), LOC126806423 (CDK7 strongly-dependent group 2 enhancer GRCh37_chr2:179443309-179444508; plus strand). Cytogenetic location: 2q31.2.
Variant type: single nucleotide variant.
Coding change: c.67636G>A on transcript NM_001267550.2 (MANE Select); coding-DNA position 67636, G replaced by A.
Protein change: p.Val22546Met; replaces valine 22546 with methionine.
Molecular consequence: missense variant.
Genome position (GRCh38, 1-based): chr2:178,579,561, C>T on the plus strand (G>A on the coding strand, the complement: TTN is on the minus strand). VCF-style: chr2-178579561-C-T. GRCh37 (hg19) VCF-style: chr2-179444288-C-T.
Other names: p.V20905M:GTG>ATG; c.62713G>A, p.Val20905Met (NM_001256850.1); c.40441G>A, p.Val13481Met (NM_003319.4); c.59932G>A, p.Val19978Met (NM_133378.4); c.40816G>A, p.Val13606Met (NM_133432.3); c.41017G>A, p.Val13673Met (NM_133437.4); short protein forms V20905M, V22546M, V13481M, V13606M, V13673M, V19978M.
Identifiers: ClinVar variation 202321 (VCV000202321.8), dbSNP rs794729244, ClinGen allele CA309079.

ClinVar aggregate classification (germline): Conflicting classifications of pathogenicity. Review status: criteria provided, conflicting classifications (1 of 4 stars). 2 submissions from 2 submitters: Uncertain significance (1); Likely benign (1). Last evaluated 2021-10-21.

Conditions:
Dilated cardiomyopathy 1G (CMD1G). Identifiers: Orphanet 154, MedGen C1858763, MONDO:0011400, OMIM 604145.
Autosomal recessive limb-girdle muscular dystrophy type 2J (LGMDR10). Also called: MUSCULAR DYSTROPHY, LIMB-GIRDLE, AUTOSOMAL RECESSIVE 10; Limb-girdle muscular dystrophy, type 2J. Identifiers: Orphanet 140922, MedGen C1837342, MONDO:0012127, OMIM 608807.

Allele frequency attached by ClinVar (database versions not stated): gnomAD exomes below 0.00001.
gnomAD v4.1: 1 of 1,612,922 alleles (0.000062%); highest among the groups gnomAD compares: Non-Finnish European, 0.000085%; no homozygotes.

Submissions (2):

Labcorp Genetics (formerly Invitae), Labcorp
Classification: Uncertain significance for Dilated cardiomyopathy 1G; Autosomal recessive limb-girdle muscular dystrophy type 2J. Last evaluated: 2021-10-21. Review status: criteria provided, single submitter. Criteria: Invitae Variant Classification Sherloc (09022015). Collection method: clinical testing. Allele origin: germline.
Comment: This variant is located in the A band of TTN (PMID: 25589632). Variants in this region may be relevant for cardiac or neuromuscular disorders (PMID: 25589632, 23975875). In summary, the available evidence is currently insufficient to determine the role of this variant in disease. Therefore, it has been classified as a Variant of Uncertain Significance. Variants that disrupt the consensus splice site are a relatively common cause of aberrant splicing (PMID: 17576681, 9536098). Algorithms developed to predict the effect of sequence changes on RNA splicing suggest that this variant may disrupt the consensus splice site. This sequence change replaces valine with methionine at codon 22546 of the TTN protein (p.Val22546Met). There is a small physicochemical difference between valine and methionine. This variant also falls at the last nucleotide of exon 319, which is part of the consensus splice site for this exon. This variant is not present in population databases (ExAC no frequency). This variant has not been reported in the literature in individuals affected with TTN-related conditions. ClinVar contains an entry for this variant (Variation ID: 202321). Experimental studies and prediction algorithms are not available or were not evaluated, and the functional significance of this variant is currently unknown.

GeneDx
Classification: Likely benign. Last evaluated: 2012-10-17. Review status: criteria provided, single submitter. Criteria: GeneDx Variant Classification (06012015). Collection method: clinical testing. Allele origin: germline. Affected: yes.
Comment: This variant is considered likely benign or benign based on one or more of the following criteria: it is a conservative change, it occurs at a poorly conserved position in the protein, it is predicted to be benign by multiple in silico algorithms, and/or has population frequency not consistent with disease.

Literature cited by the submitters: PubMed 25589632 (cited by Labcorp Genetics (formerly Invitae), Labcorp); PubMed 23975875 (cited by Labcorp Genetics (formerly Invitae), Labcorp); PubMed 17576681 (cited by Labcorp Genetics (formerly Invitae), Labcorp); PubMed 9536098 (cited by Labcorp Genetics (formerly Invitae), Labcorp).